The following is an entry in ClinVar:

ClinVar aggregate classification (germline): Pathogenic (1 of 4 stars; one submission).

Submission:

Labcorp Genetics (formerly Invitae), Labcorp
Classification: Pathogenic. Last evaluated: 2021-06-05. Review status: criteria provided, single submitter. Criteria: Invitae Variant Classification Sherloc (09022015). Collection method: clinical testing. Allele origin: germline.
Comment: For these reasons, this variant has been classified as Pathogenic. This variant has not been reported in the literature in individuals with CA2-related conditions. This variant is a gross deletion of the genomic region encompassing exon(s) 1-2 of the CA2 gene, which includes the initiator codon. The 5' end of this event is unknown as it extends beyond the assayed region for this gene and therefore may encompass additional genes. The 3' boundary is likely confined to intron 2 of the CA2 gene. It is expected to result in an absent or disrupted protein product. Loss-of-function variants in CA2 are known to be pathogenic (PMID: 15300855).

Literature cited by the submitters: PubMed 15300855.

NC_000008.10:g.(?_86376311)_(86377718_?)del

Gene: CA2 (carbonic anhydrase 2; plus strand). Cytogenetic location: 8q21.2.
Variant type: Deletion.
Identifiers: ClinVar variation 1454475 (VCV001454475.4).